The following is an entry in ClinVar:

NM_001136191.3(KANK2):c.2067C>T (p.Ser689=)

Gene: KANK2 (KN motif and ankyrin repeat domains 2; minus strand). Cytogenetic location: 19p13.2.
Variant type: single nucleotide variant.
Coding change: c.2067C>T on transcript NM_001136191.3 (MANE Select); coding-DNA position 2067, C replaced by T.
Protein change: p.Ser689=; no amino-acid change (serine 689 retained).
Molecular consequence: synonymous variant.
Genome position (GRCh38, 1-based): chr19:11,174,474, G>A on the plus strand (C>T on the coding strand, the complement: KANK2 is on the minus strand). VCF-style: chr19-11174474-G-A. GRCh37 (hg19) VCF-style: chr19-11285150-G-A.
Other names: c.2067C>T, p.Ser689= (NM_001329451.2, NM_001379555.1, NM_001379556.1 and 7 more transcripts); c.2091C>T, p.Ser697= (NM_001379548.1, NM_001379549.1, NM_001379550.1 and 5 more transcripts).
Identifiers: ClinVar variation 2888267 (VCV002888267.3), dbSNP rs200918610, ClinGen allele CA9205412.

ClinVar aggregate classification (germline): Uncertain significance (1 of 4 stars; one submission).

Allele frequency attached by ClinVar (database versions not stated): TOPMed 0.00001; gnomAD 0.00002; gnomAD exomes 0.00002; ExAC 0.00005; ESP Exome Variant Server 0.00008.
gnomAD v4.1: 39 of 1,604,994 alleles (0.0024%); highest among the groups gnomAD compares: South Asian, 0.0067%; no homozygotes.

Submission:

Labcorp Genetics (formerly Invitae), Labcorp
Classification: Uncertain significance. Last evaluated: 2022-11-24. Review status: criteria provided, single submitter. Criteria: Invitae Variant Classification Sherloc (09022015). Collection method: clinical testing. Allele origin: germline.
Comment: This variant is present in population databases (rs200918610, gnomAD 0.01%). In summary, the available evidence is currently insufficient to determine the role of this variant in disease. Therefore, it has been classified as a Variant of Uncertain Significance. Algorithms developed to predict the effect of sequence changes on RNA splicing suggest that this variant is not likely to affect RNA splicing. This variant has not been reported in the literature in individuals affected with KANK2-related conditions. This sequence change affects codon 689 of the KANK2 mRNA. It is a 'silent' change, meaning that it does not change the encoded amino acid sequence of the KANK2 protein. It affects a nucleotide within the consensus splice site.